The following is an entry in ClinVar:

ClinVar aggregate classification (germline): Pathogenic/Likely pathogenic. Review status: criteria provided, multiple submitters, no conflicts (2 of 4 stars). 2 submissions from 2 submitters: Pathogenic (1); Likely pathogenic (1). Last evaluated 2021-12-22.

Conditions:
LAMA2-related muscular dystrophy (LAMA2-RD). Also called: Laminin alpha 2-related dystrophy. Identifiers: MedGen C5679788, MONDO:0100228.
Merosin deficient congenital muscular dystrophy (MDC1A). Also called: Congenital merosin-deficient muscular dystrophy 1A; Congenital Muscular Dystrophy Type 1A (MDC1A). Identifiers: Orphanet 258, MedGen C1263858, MONDO:0011925, OMIM 607855.

Submissions (2):

Labcorp Genetics (formerly Invitae), Labcorp
Classification: Pathogenic for LAMA2-related muscular dystrophy. Last evaluated: 2021-12-22. Review status: criteria provided, single submitter. Criteria: Invitae Variant Classification Sherloc (09022015). Collection method: clinical testing. Allele origin: germline.
Comment: This sequence change creates a premature translational stop signal (p.Tyr583*) in the LAMA2 gene. It is expected to result in an absent or disrupted protein product. Loss-of-function variants in LAMA2 are known to be pathogenic (PMID: 18700894, 32904964). This variant is not present in population databases (gnomAD no frequency). This variant has not been reported in the literature in individuals affected with LAMA2-related conditions. For these reasons, this variant has been classified as Pathogenic.

Neuberg Centre For Genomic Medicine, NCGM
Classification: Likely pathogenic for Merosin deficient congenital muscular dystrophy. Review status: criteria provided, single submitter. Criteria: ACMG Guidelines, 2015. Collection method: clinical testing. Allele origin: germline. Inheritance: Autosomal recessive inheritance. Affected: yes.
Comment: The stop gain variant c.1749C>G (p.Tyr583Ter) in the LAMA2 gene has not been reported previously as a pathogenic variant nor as a benign variant, to our knowledge. This variant is reported with the allele frequency (0.0004%) in the gnomAD and novel in 1000 genome database. This variant is predicted to cause loss of normal protein function through protein truncation. Loss of function variants have been previously reported to be disease causing. For these reasons, this variant has been classified as Likely Pathogenic.

Literature cited by the submitters: PubMed 18700894 (cited by Labcorp Genetics (formerly Invitae), Labcorp); PubMed 32904964 (cited by Labcorp Genetics (formerly Invitae), Labcorp).

NM_000426.4(LAMA2):c.1749C>G (p.Tyr583Ter)

Gene: LAMA2 (laminin subunit alpha 2; plus strand). Cytogenetic location: 6q22.33.
Variant type: single nucleotide variant.
Coding change: c.1749C>G on transcript NM_000426.4 (MANE Select); coding-DNA position 1749, C replaced by G.
Protein change: p.Tyr583Ter; replaces tyrosine 583 with a stop codon.
Molecular consequence: nonsense.
Genome position (GRCh38, 1-based): chr6:129,192,820, C>G. VCF-style: chr6-129192820-C-G. GRCh37 (hg19) VCF-style: chr6-129513965-C-G.
Other names: c.1749C>G, p.Tyr583Ter (NM_001079823.2); short protein forms Y583*.
Identifiers: ClinVar variation 2052455 (VCV002052455.4), dbSNP rs2482776932, ClinGen allele CA365608381.